The following is an entry in ClinVar:

NM_173628.4(DNAH17):c.7658_7661del (p.Arg2553fs)

Gene: DNAH17 (dynein axonemal heavy chain 17; minus strand). Cytogenetic location: 17q25.3.
Variant type: Microsatellite.
Coding change: c.7658_7661del on transcript NM_173628.4 (MANE Select); coding-DNA positions 7658 to 7661, 4 bases deleted (GACA; older notation c.7658_7661delGACA).
Protein change: p.Arg2553fs; shifts the reading frame from arginine 2553.
Molecular consequence: frameshift variant.
Genome position (GRCh38, 1-based): chr17:78,480,775-78,480,778, TGTC deleted on the plus strand (GACA on the coding strand, the reverse complement: DNAH17 is on the minus strand); deleting any 4 consecutive bases within chr17:78,480,775-78,480,782 gives the same sequence; the c. name uses the placement nearest the transcript's 3' end. VCF-style (leftmost placement, unchanged base first): chr17-78480774-ATGTC-A. GRCh37 (hg19) VCF-style: chr17-76476856-ATGTC-A.
Other names: short protein forms R2553fs.
Identifiers: ClinVar variation 5019339 (VCV005019339.2).
Genomic context (GRCh38, chr17:78,480,774, plus strand): 5'-GGAAGTGGGGTTCATGCAGGCCACGTACTGACAATTATGGATATCTTTTAACGTCAGCTT[ATGTC>A]TGTCATACCTGAGGGGGGAAACCAGCATTCATGTTGTGCCCCTGGCCTGGAGGAACCATC-3'

ClinVar aggregate classification (germline): Likely pathogenic (1 of 4 stars; one submission).

Conditions:
Spermatogenic failure 39. Identifiers: MedGen C5231438, MONDO:0032845, OMIM 618643.

Submission:

Juno Genomics, Hangzhou Juno Genomics, Inc
Classification: Likely pathogenic for Spermatogenic failure 39. Review status: criteria provided, single submitter. Criteria: ACMG Guidelines, 2015. Collection method: clinical testing. Allele origin: germline.
Comment: Absent from controls (or at extremely low frequency if recessive) in Genome Aggregation Database.;Null variant in a gene where loss of function (LOF) is a known mechanism of disease.